The following is an entry in ClinVar:

NM_145290.4(ADGRA3):c.3885T>A (p.Asn1295Lys)

Gene: ADGRA3 (adhesion G protein-coupled receptor A3; minus strand). Cytogenetic location: 4p15.2.
Variant type: single nucleotide variant.
Coding change: c.3885T>A on transcript NM_145290.4 (MANE Select); coding-DNA position 3885, T replaced by A.
Protein change: p.Asn1295Lys; replaces asparagine 1295 with lysine.
Molecular consequence: missense variant.
Genome position (GRCh38, 1-based): chr4:22,387,786, A>T on the plus strand (T>A on the coding strand, the complement: ADGRA3 is on the minus strand). VCF-style: chr4-22387786-A-T. GRCh37 (hg19) VCF-style: chr4-22389409-A-T.
Other names: short protein forms N1295K.
Identifiers: ClinVar variation 860780 (VCV000860780.9), dbSNP rs1713901682, ClinGen allele CA356471473.

ClinVar aggregate classification (germline): Uncertain significance (1 of 4 stars; one submission).

Allele frequency attached by ClinVar (database versions not stated): TOPMed below 0.00001.
gnomAD v4.1: 34 of 1,614,040 alleles (0.0021%); highest among the groups gnomAD compares: Non-Finnish European, 0.0029%; no homozygotes.

Submission:

Labcorp Genetics (formerly Invitae), Labcorp
Classification: Uncertain significance. Last evaluated: 2019-12-20. Review status: criteria provided, single submitter. Criteria: Invitae Variant Classification Sherloc (09022015). Collection method: clinical testing. Allele origin: germline.
Comment: In summary, the available evidence is currently insufficient to determine the role of this variant in disease. Therefore, it has been classified as a Variant of Uncertain Significance. Algorithms developed to predict the effect of missense changes on protein structure and function (SIFT, PolyPhen-2, Align-GVGD) all suggest that this variant is likely to be tolerated, but these predictions have not been confirmed by published functional studies and their clinical significance is uncertain. This variant has not been reported in the literature in individuals with ADGRA3-related conditions. This variant is not present in population databases (ExAC no frequency). This sequence change replaces asparagine with lysine at codon 1295 of the ADGRA3 protein (p.Asn1295Lys). The asparagine residue is weakly conserved and there is a moderate physicochemical difference between asparagine and lysine.